The following is an entry in ClinVar:

ClinVar aggregate classification (germline): Conflicting classifications of pathogenicity. Review status: criteria provided, conflicting classifications (1 of 4 stars). 7 submissions from 6 submitters: Uncertain significance (5); Likely benign (1). 1 of the submissions does not count toward it. Last evaluated 2024-09-16.

Conditions:
Inborn genetic diseases. Identifiers: MedGen C0950123, MeSH D030342.
Usher syndrome type 2A. Also called: USHER SYNDROME, TYPE IIA; RETINAL DISEASE IN USHER SYNDROME TYPE IIA, MODIFIER OF. Identifiers: Orphanet 231178, Orphanet 886, MedGen C1848634, MONDO:0010169, OMIM 276901.
Retinitis pigmentosa 39 (RP39). Identifiers: Orphanet 791, MedGen C3151138, MONDO:0013436, OMIM 613809.
Retinitis pigmentosa (RP). Identifiers: Orphanet 791, MedGen C0035334, MeSH D012174, MONDO:0019200, OMIM 268000. Inheritance: Autosomal dominant, autosomal recessive and X linked inheritance.

Allele frequency attached by ClinVar (database versions not stated): gnomAD exomes 0.00002; TOPMed 0.00003; gnomAD 0.00004 and 0.00005.
gnomAD v4.1: 30 of 1,613,984 alleles (0.0019%); highest among the groups gnomAD compares: Non-Finnish European, 0.0025%; no homozygotes.

Submissions (7):

Blueprint Genetics
Classification: Uncertain significance. Last evaluated: 2024-09-16. Review status: criteria provided, single submitter. Criteria: ACMG Guidelines, 2015. Collection method: clinical testing. Allele origin: germline.

Ambry Genetics
Classification: Uncertain significance for Inborn genetic diseases. Last evaluated: 2023-02-23. Review status: criteria provided, single submitter. Criteria: Ambry Variant Classification Scheme 2023. Collection method: clinical testing. Allele origin: germline.

Labcorp Genetics (formerly Invitae), Labcorp
Classification: Uncertain significance. Last evaluated: 2022-05-14. Review status: criteria provided, single submitter. Criteria: Invitae Variant Classification Sherloc (09022015). Collection method: clinical testing. Allele origin: germline.
Comment: This sequence change replaces isoleucine, which is neutral and non-polar, with valine, which is neutral and non-polar, at codon 1234 of the USH2A protein (p.Ile1234Val). This variant is present in population databases (rs200276882, gnomAD 0.003%). This variant has not been reported in the literature in individuals affected with USH2A-related conditions. ClinVar contains an entry for this variant (Variation ID: 48506). Algorithms developed to predict the effect of missense changes on protein structure and function output the following: SIFT: "Tolerated"; PolyPhen-2: "Benign"; Align-GVGD: "Class C0". The valine amino acid residue is found in multiple mammalian species, which suggests that this missense change does not adversely affect protein function. In summary, the available evidence is currently insufficient to determine the role of this variant in disease. Therefore, it has been classified as a Variant of Uncertain Significance.

Illumina Laboratory Services, Illumina
Classification: Uncertain significance for Retinitis pigmentosa. Last evaluated: 2018-01-12. Review status: criteria provided, single submitter. Criteria: ICSL Variant Classification Criteria 13 December 2019. Collection method: clinical testing. Allele origin: germline.

Illumina Laboratory Services, Illumina
Classification: Uncertain significance for Usher syndrome type 2A. Last evaluated: 2018-01-12. Review status: criteria provided, single submitter. Criteria: ICSL Variant Classification Criteria 13 December 2019. Collection method: clinical testing. Allele origin: germline.

Laboratory for Molecular Medicine, Mass General Brigham Personalized Medicine
Classification: Likely benign. Last evaluated: 2010-11-15. Review status: criteria provided, single submitter. Criteria: LMM Criteria. Collection method: clinical testing. Allele origin: germline. Observed: 1 variant allele.
Comment: Ile1234Val in exon 17 of USH2A: This variant is not expected to have clinical si gnificance because this residue is not highly conserved across species and compu tational analyses (PolyPhen, SIFT, AlignGVGD) do not suggest an impact to the pr otein. Of note, platypus, chicken and lizard also have a valine at this position .

Counsyl
Classification: Uncertain significance for Usher syndrome type 2A; Retinitis pigmentosa 39. Last evaluated: 2017-09-01. Review status: no assertion criteria provided. Collection method: clinical testing. Allele origin: unknown. Not counted in ClinVar's aggregate classification.

NM_206933.4(USH2A):c.3700A>G (p.Ile1234Val)

Genes: USH2A (usherin; minus strand), USH2A-AS1 (USH2A antisense RNA 1; plus strand). Cytogenetic location: 1q41.
Variant type: single nucleotide variant.
Coding change: c.3700A>G on transcript NM_206933.4 (MANE Select); coding-DNA position 3700, A replaced by G.
Protein change: p.Ile1234Val; replaces isoleucine 1234 with valine.
Molecular consequence: missense variant.
Genome position (GRCh38, 1-based): chr1:216,199,738, T>C on the plus strand (A>G on the coding strand, the complement: USH2A is on the minus strand). VCF-style: chr1-216199738-T-C. GRCh37 (hg19) VCF-style: chr1-216373080-T-C.
Other names: c.3700A>G, p.Ile1234Val (NM_007123.6); short protein forms I1234V.
Identifiers: ClinVar variation 48506 (VCV000048506.14), dbSNP rs200276882, ClinGen allele CA143467.